The following is an entry in ClinVar:

NM_000059.4(BRCA2):c.59A>G (p.Asn20Ser)

Gene: BRCA2 (BRCA2 DNA repair associated; plus strand). Cytogenetic location: 13q13.1.
Variant type: single nucleotide variant.
Coding change: c.59A>G on transcript NM_000059.4 (MANE Select); coding-DNA position 59, A replaced by G.
Protein change: p.Asn20Ser; replaces asparagine 20 with serine.
Molecular consequence: missense variant.
Genome position (GRCh38, 1-based): chr13:32,316,519, A>G. VCF-style: chr13-32316519-A-G. GRCh37 (hg19) VCF-style: chr13-32890656-A-G.
Other names: 287A>G; short protein forms N20S.
Identifiers: ClinVar variation 91433 (VCV000091433.22), dbSNP rs398122544, ClinGen allele CA023490.

ClinVar aggregate classification (germline): Conflicting classifications of pathogenicity. Review status: criteria provided, conflicting classifications (1 of 4 stars). 8 submissions from 8 submitters: Uncertain significance (6); Likely benign (1). 1 of the submissions does not count toward it. Last evaluated 2025-05-05.

Conditions:
BRCA2-related cancer predisposition. Identifiers: MedGen CN377758, MONDO:0700269.
Hereditary cancer-predisposing syndrome. Also called: Tumor predisposition; Neoplastic Syndromes, Hereditary; Hereditary Cancer Syndrome; Hereditary neoplastic syndrome. Identifiers: Orphanet 140162, MedGen C0027672, MeSH D009386, MONDO:0015356.
Hereditary breast ovarian cancer syndrome. Also called: Hereditary breast and/or ovarian cancer syndrome; Hereditary breast and ovarian cancer; Hereditary breast and ovarian cancer syndrome (HBOC); BRCA1- and BRCA2-Associated Hereditary Breast and Ovarian Cancer; Breast and ovarian cancer; Hereditary breast and ovarian cancer syndrome. Identifiers: Orphanet 145, MedGen C0677776, MeSH D061325, MONDO:0003582. Disease mechanism: loss of function.
Breast-ovarian cancer, familial, susceptibility to, 2 (BROVCA2). Also called: BRCA2 Hereditary Breast and Ovarian Cancer. Identifiers: Orphanet 145, MedGen C2675520, MONDO:0012933, OMIM 612555. Disease mechanism: loss of function.
Familial cancer of breast. Also called: BREAST CANCER, FAMILIAL; Hereditary breast cancer; hereditary breast carcinoma. Identifiers: Orphanet 227535, MedGen C0346153, MONDO:0016419, OMIM 114480. Disease mechanism: loss of function.

Allele frequency attached by ClinVar (database versions not stated): gnomAD exomes below 0.00001; ExAC 0.00001; TOPMed 0.00001.
gnomAD v4.1: 5 of 1,613,880 alleles (0.00031%); highest among the groups gnomAD compares: South Asian, 0.0044%; no homozygotes.

Submissions (8):

Labcorp Genetics (formerly Invitae), Labcorp
Classification: Uncertain significance for Hereditary breast ovarian cancer syndrome. Last evaluated: 2025-05-05. Review status: criteria provided, single submitter. Criteria: Invitae Variant Classification Sherloc (09022015). Collection method: clinical testing. Allele origin: germline.
Comment: This sequence change replaces asparagine, which is neutral and polar, with serine, which is neutral and polar, at codon 20 of the BRCA2 protein (p.Asn20Ser). This variant is present in population databases (rs398122544, gnomAD 0.003%). This variant has not been reported in the literature in individuals affected with BRCA2-related conditions. ClinVar contains an entry for this variant (Variation ID: 91433). Invitae Evidence Modeling of protein sequence and biophysical properties (such as structural, functional, and spatial information, amino acid conservation, physicochemical variation, residue mobility, and thermodynamic stability) indicates that this missense variant is not expected to disrupt BRCA2 protein function with a negative predictive value of 95%. In summary, the available evidence is currently insufficient to determine the role of this variant in disease. Therefore, it has been classified as a Variant of Uncertain Significance.

All of Us Research Program, National Institutes of Health
Classification: Uncertain significance for BRCA2-related cancer predisposition. Last evaluated: 2024-04-16. Review status: criteria provided, single submitter. Criteria: ACMG Guidelines, 2015. Collection method: clinical testing. Allele origin: germline. Inheritance: Autosomal dominant inheritance. Observed: 1 variant allele, 1 heterozygote.
Comment: This missense variant replaces asparagine with serine at codon 20 of the BRCA2 protein. Computational prediction suggests that this variant may not impact protein structure and function. To our knowledge, functional studies have not been reported for this variant. This variant has not been reported in individuals affected with BRCA2-related disorders in the literature, but this variant has been reported in two unaffected individuals (PMID: 33471991; Leiden Open Variation Database DB-ID BRCA2_007673). This variant has been identified in 1/251194 chromosomes in the general population by the Genome Aggregation Database (gnomAD). The available evidence is insufficient to determine the role of this variant in disease conclusively. Therefore, this variant is classified as a Variant of Uncertain Significance.

This study involves interpretation of variants in research participants for the purpose of population health screening. Participant phenotype was not available at the time of variant classification. Additional details can be found in publication PMID: 35346344, PMCID: PMC8962531

Color Diagnostics, LLC DBA Color Health
Classification: Uncertain significance for Hereditary cancer-predisposing syndrome. Last evaluated: 2024-03-20. Review status: criteria provided, single submitter. Criteria: ACMG Guidelines, 2015. Collection method: clinical testing. Allele origin: germline.
Comment: This missense variant replaces asparagine with serine at codon 20 of the BRCA2 protein. Computational prediction suggests that this variant may not impact protein structure and function. To our knowledge, functional studies have not been reported for this variant. This variant has not been reported in individuals affected with BRCA2-related disorders in the literature, but this variant has been reported in two unaffected individuals (PMID: 33471991; Leiden Open Variation Database DB-ID BRCA2_007673). This variant has been identified in 1/251194 chromosomes in the general population by the Genome Aggregation Database (gnomAD). The available evidence is insufficient to determine the role of this variant in disease conclusively. Therefore, this variant is classified as a Variant of Uncertain Significance.

Baylor Genetics
Classification: Uncertain significance for Familial cancer of breast. Last evaluated: 2023-05-03. Review status: criteria provided, single submitter. Criteria: ACMG Guidelines, 2015. Collection method: clinical testing. Allele origin: unknown.

Ambry Genetics
Classification: Likely benign for Hereditary cancer-predisposing syndrome. Last evaluated: 2019-03-27. Review status: criteria provided, single submitter. Criteria: Ambry Variant Classification Scheme 2023. Collection method: clinical testing. Allele origin: germline.

Quest Diagnostics Nichols Institute San Juan Capistrano
Classification: Uncertain significance. Last evaluated: 2018-08-03. Review status: criteria provided, single submitter. Criteria: Quest Diagnostics criteria. Collection method: clinical testing. Allele origin: germline.

Molecular Genetics Laboratory, University of Michigan
Classification: Uncertain significance for Breast-ovarian cancer, familial, susceptibility to, 2. Last evaluated: 2016-04-21. Review status: criteria provided, single submitter. Criteria: ACMG Guidelines, 2015. Collection method: clinical testing. Allele origin: germline. Affected: yes.

Sharing Clinical Reports Project (SCRP)
Classification: Uncertain significance for Breast-ovarian cancer, familial 2. Last evaluated: 2012-12-03. Review status: no assertion criteria provided. Collection method: clinical testing. Allele origin: germline. Not counted in ClinVar's aggregate classification.

Literature cited by the submitters: PubMed 33471991 (cited by All of Us Research Program, National Institutes of Health and Color Diagnostics, LLC DBA Color Health).